The following is an entry in ClinVar:

NM_001433705.1(NLRP5):c.1203A>G (p.Thr401=)

Genes: NLRP5 (NLR family pyrin domain containing 5; plus strand), LOC126862935 (BRD4-independent group 4 enhancer GRCh37_chr19:56537936-56539135; plus strand). Cytogenetic location: 19q13.43.
Variant type: single nucleotide variant.
Coding change: c.1203A>G on transcript NM_001433705.1 (MANE Select); coding-DNA position 1203, A replaced by G.
Protein change: p.Thr401=; no amino-acid change (threonine 401 retained).
Molecular consequence: synonymous variant.
Genome position (GRCh38, 1-based): chr19:56,027,589, A>G. VCF-style: chr19-56027589-A-G. GRCh37 (hg19) VCF-style: chr19-56538955-A-G.
Other names: NM_153447.4:c.1356A>G.
Identifiers: ClinVar variation 3034948 (VCV003034948.2), dbSNP rs373414172, ClinGen allele CA9685528.

ClinVar aggregate classification (germline): Likely benign (0 of 4 stars; one submission).

Conditions:
NLRP5-related disorder. Also called: NLRP5-related condition.

Allele frequency attached by ClinVar (database versions not stated): gnomAD 0.00010; ESP Exome Variant Server 0.00016.
gnomAD v4.1: 193 of 1,613,968 alleles (0.012%); highest among the groups gnomAD compares: Middle Eastern, 0.066%; 1 homozygote.

Submission:

PreventionGenetics, part of Exact Sciences
Classification: Likely benign for NLRP5-related condition. Last evaluated: 2019-08-06. Review status: no assertion criteria provided. Collection method: clinical testing. Allele origin: germline.
Comment: This variant is classified as likely benign based on ACMG/AMP sequence variant interpretation guidelines (Richards et al. 2015 PMID: 25741868, with internal and published modifications).